The following is an entry in ClinVar:

NM_024422.6(DSC2):c.508T>C (p.Tyr170His)

Gene: DSC2 (desmocollin 2; minus strand). Cytogenetic location: 18q12.1.
Variant type: single nucleotide variant.
Coding change: c.508T>C on transcript NM_024422.6 (MANE Select); coding-DNA position 508, T replaced by C.
Protein change: p.Tyr170His; replaces tyrosine 170 with histidine.
Molecular consequence: missense variant.
Genome position (GRCh38, 1-based): chr18:31,089,561, A>G on the plus strand (T>C on the coding strand, the complement: DSC2 is on the minus strand). VCF-style: chr18-31089561-A-G. GRCh37 (hg19) VCF-style: chr18-28669524-A-G.
Other names: c.508T>C, p.Tyr170His (NM_004949.5); short protein forms Y170H.
Identifiers: ClinVar variation 1003495 (VCV001003495.8), dbSNP rs1484093917, ClinGen allele CA402113745.

ClinVar aggregate classification (germline): Uncertain significance (1 of 4 stars; one submission).

Conditions:
Arrhythmogenic right ventricular dysplasia 11. Also called: Arrhythmogenic Right Ventricular Dysplasia/Cardiomyopathy11; ARRHYTHMOGENIC RIGHT VENTRICULAR DYSPLASIA, FAMILIAL, 11; Arrhythmogenic right ventricular dysplasia 11 with mild palmoplantar keratoderma and woolly hair. Identifiers: MedGen C1864850, MONDO:0012506, OMIM 610476.

Allele frequency attached by ClinVar (database versions not stated): gnomAD exomes 0.00001 and below 0.00001.
gnomAD v4.1: 2 of 1,613,984 alleles (0.00012%); highest among the groups gnomAD compares: Non-Finnish European, 0.00017%; no homozygotes.

Submission:

Labcorp Genetics (formerly Invitae), Labcorp
Classification: Uncertain significance for Arrhythmogenic right ventricular dysplasia 11. Last evaluated: 2023-05-15. Review status: criteria provided, single submitter. Criteria: Invitae Variant Classification Sherloc (09022015). Collection method: clinical testing. Allele origin: germline.
Comment: In summary, the available evidence is currently insufficient to determine the role of this variant in disease. Therefore, it has been classified as a Variant of Uncertain Significance. Advanced modeling of protein sequence and biophysical properties (such as structural, functional, and spatial information, amino acid conservation, physicochemical variation, residue mobility, and thermodynamic stability) performed at Invitae indicates that this missense variant is not expected to disrupt DSC2 protein function. This sequence change replaces tyrosine, which is neutral and polar, with histidine, which is basic and polar, at codon 170 of the DSC2 protein (p.Tyr170His). This variant is present in population databases (no rsID available, gnomAD 0.002%). This variant has not been reported in the literature in individuals affected with DSC2-related conditions. ClinVar contains an entry for this variant (Variation ID: 1003495).